The following is an entry in ClinVar:

NM_145059.3(FCSK):c.1816G>A (p.Ala606Thr)

Gene: FCSK (fucose kinase; plus strand). Cytogenetic location: 16q22.1.
Variant type: single nucleotide variant.
Coding change: c.1816G>A on transcript NM_145059.3 (MANE Select); coding-DNA position 1816, G replaced by A.
Protein change: p.Ala606Thr; replaces alanine 606 with threonine.
Molecular consequence: missense variant.
Genome position (GRCh38, 1-based): chr16:70,474,167, G>A. VCF-style: chr16-70474167-G-A. GRCh37 (hg19) VCF-style: chr16-70508070-G-A.
Other names: short protein forms A606T.
Identifiers: ClinVar variation 2768838 (VCV002768838.3), dbSNP rs2048719623, ClinGen allele CA396571475.

ClinVar aggregate classification (germline): Uncertain significance (1 of 4 stars; one submission).

Allele frequency attached by ClinVar (database versions not stated): gnomAD exomes below 0.00001.
gnomAD v4.1: 1 of 1,558,568 alleles (0.000064%); highest among the groups gnomAD compares: Non-Finnish European, 0.000087%; no homozygotes.

Submission:

Labcorp Genetics (formerly Invitae), Labcorp
Classification: Uncertain significance. Last evaluated: 2023-10-15. Review status: criteria provided, single submitter. Criteria: Invitae Variant Classification Sherloc (09022015). Collection method: clinical testing. Allele origin: germline.
Comment: This sequence change replaces alanine, which is neutral and non-polar, with threonine, which is neutral and polar, at codon 606 of the FUK protein (p.Ala606Thr). This variant is not present in population databases (gnomAD no frequency). This variant has not been reported in the literature in individuals affected with FUK-related conditions. An algorithm developed to predict the effect of missense changes on protein structure and function (PolyPhen-2) suggests that this variant is likely to be tolerated. In summary, the available evidence is currently insufficient to determine the role of this variant in disease. Therefore, it has been classified as a Variant of Uncertain Significance.